The following is an entry in ClinVar:

ClinVar aggregate classification (germline): Uncertain significance (1 of 4 stars; one submission).

Allele frequency attached by ClinVar (database versions not stated): gnomAD 0.00001; TOPMed 0.00001.

Submission:

Labcorp Genetics (formerly Invitae), Labcorp
Classification: Uncertain significance. Last evaluated: 2025-12-15. Review status: criteria provided, single submitter. Criteria: Invitae Variant Classification Sherloc (09022015). Collection method: clinical testing. Allele origin: germline.
Comment: This sequence change replaces valine, which is neutral and non-polar, with methionine, which is neutral and non-polar, at codon 432 of the LOXL3 protein (p.Val432Met). This variant is present in population databases (no rsID available, gnomAD 0.002%). This variant has not been reported in the literature in individuals affected with LOXL3-related conditions. ClinVar contains an entry for this variant (Variation ID: 1932604). An algorithm developed to predict the effect of missense changes on protein structure and function (PolyPhen-2) suggests that this variant is likely to be disruptive. In summary, the available evidence is currently insufficient to determine the role of this variant in disease. Therefore, it has been classified as a Variant of Uncertain Significance.

NM_032603.5(LOXL3):c.1294G>A (p.Val432Met)

Gene: LOXL3 (lysyl oxidase like 3; minus strand). Cytogenetic location: 2p13.1.
Variant type: single nucleotide variant.
Coding change: c.1294G>A on transcript NM_032603.5 (MANE Select); coding-DNA position 1294, G replaced by A.
Protein change: p.Val432Met; replaces valine 432 with methionine.
Molecular consequence: missense variant.
Genome position (GRCh38, 1-based): chr2:74,535,710, C>T on the plus strand (G>A on the coding strand, the complement: LOXL3 is on the minus strand). VCF-style: chr2-74535710-C-T. GRCh37 (hg19) VCF-style: chr2-74762837-C-T.
Other names: c.859G>A, p.Val287Met (NM_001289164.3); c.211G>A, p.Val71Met (NM_001289165.2); short protein forms V287M, V432M, V71M.
Identifiers: ClinVar variation 1932604 (VCV001932604.3), dbSNP rs1017236072, ClinGen allele CA50491780.